The following is an entry in ClinVar:

ClinVar aggregate classification (germline): Uncertain significance (1 of 4 stars; one submission).

gnomAD v4.1: 1 of 1,496,190 alleles (0.000067%); highest among the groups gnomAD compares: Non-Finnish European, 0.000088%; no homozygotes.

Submission:

Labcorp Genetics (formerly Invitae), Labcorp
Classification: Uncertain significance. Last evaluated: 2025-06-22. Review status: criteria provided, single submitter. Criteria: Invitae Variant Classification Sherloc (09022015). Collection method: clinical testing. Allele origin: germline.
Comment: This sequence change replaces proline, which is neutral and non-polar, with serine, which is neutral and polar, at codon 34 of the RETREG1 protein (p.Pro34Ser). This variant is not present in population databases (gnomAD no frequency). This variant has not been reported in the literature in individuals affected with RETREG1-related conditions. Experimental studies and prediction algorithms are not available or were not evaluated, and the functional significance of this variant is currently unknown. In summary, the available evidence is currently insufficient to determine the role of this variant in disease. Therefore, it has been classified as a Variant of Uncertain Significance.

NM_001034850.3(RETREG1):c.100C>T (p.Pro34Ser)

Genes: RETREG1 (reticulophagy regulator 1; minus strand), RETREG1-AS1 (RETREG1 antisense RNA 1; plus strand), LOC129993734 (ATAC-STARR-seq lymphoblastoid silent region 15947; plus strand). Cytogenetic location: 5p15.1.
Variant type: single nucleotide variant.
Coding change: c.100C>T on transcript NM_001034850.3 (MANE Select); coding-DNA position 100, C replaced by T.
Protein change: p.Pro34Ser; replaces proline 34 with serine.
Molecular consequence: missense variant.
Genome position (GRCh38, 1-based): chr5:16,616,872, G>A on the plus strand (C>T on the coding strand, the complement: RETREG1 is on the minus strand). VCF-style: chr5-16616872-G-A. GRCh37 (hg19) VCF-style: chr5-16616981-G-A.
Other names: short protein forms P34S.
Identifiers: ClinVar variation 4745791 (VCV004745791.1).